The following is an entry in ClinVar:

NM_001379403.1(WDR26):c.1279del (p.Asn426_Leu427insTer)

Gene: WDR26 (WD repeat domain 26; minus strand). Cytogenetic location: 1q42.12.
Variant type: Deletion.
Coding change: c.1279del on transcript NM_001379403.1 (MANE Select); coding-DNA position 1279, one base deleted (C; older notation c.1279delC).
Protein change: p.Asn426_Leu427insTer.
Molecular consequence: nonsense.
Genome position (GRCh38, 1-based): chr1:224,418,300, G deleted on the plus strand (C on the coding strand, the reverse complement: WDR26 is on the minus strand). VCF-style (leftmost placement, unchanged base first): chr1-224418299-AG-A. GRCh37 (hg19) VCF-style: chr1-224606001-AG-A.
Other names: c.931del, p.Asn310_Leu311insTer (NM_001115113.3); c.979del, p.Asn326_Leu327insTer (NM_025160.7).
Identifiers: ClinVar variation 4886452 (VCV004886452.2).

ClinVar aggregate classification (germline): Likely pathogenic (1 of 4 stars; one submission).

Submission:

Dasa
Classification: Likely pathogenic. Last evaluated: 2025-12-09. Review status: criteria provided, single submitter. Criteria: DASA Assertion Criteria. Collection method: clinical testing. Allele origin: germline.
Comment: NM_001379403.1(WDR26):c.1279del (p.Leu427*) is a nonsense variant in WDR26 predicted to introduce a premature termination codon and is predicted to result in an absent or altered protein product. Loss of function is an established disease mechanism for WDR26 (PMID: 28686853; PMID: 33675273; PMID: 33506510). Also, this variant is absent from population databases. Based on the currently available evidence, this variant is classified as likely pathogenic.

Literature cited by the submitters: PubMed 28686853; PubMed 33675273; PubMed 33506510.